The following is an entry in ClinVar:

ClinVar aggregate classification (germline): Conflicting classifications of pathogenicity. Review status: criteria provided, conflicting classifications (1 of 4 stars). 4 submissions from 4 submitters: Uncertain significance (3); Likely benign (1). Last evaluated 2026-03-18.

Conditions:
Spastic paraplegia. Identifiers: MedGen C0037772, HP:0001258.
Inborn genetic diseases. Identifiers: MedGen C0950123, MeSH D030342.

Allele frequency attached by ClinVar (database versions not stated): gnomAD 0.00001; gnomAD exomes 0.00001; TOPMed 0.00001.
gnomAD v4.1: 14 of 1,613,912 alleles (0.00087%); highest among the groups gnomAD compares: Non-Finnish European, 0.0012%; no homozygotes.

Submissions (4):

GeneDx
Classification: Uncertain significance. Last evaluated: 2026-03-18. Review status: criteria provided, single submitter. Criteria: GeneDx Variant Classification Process June 2021. Collection method: clinical testing. Allele origin: germline.
Comment: Not observed at significant frequency in large population cohorts (gnomAD); In silico analysis suggests that this missense variant does not alter protein structure/function; Has not been previously published as pathogenic or benign to our knowledge

Labcorp Genetics (formerly Invitae), Labcorp
Classification: Likely benign for Spastic paraplegia. Last evaluated: 2025-12-31. Review status: criteria provided, single submitter. Criteria: Invitae Variant Classification Sherloc (09022015). Collection method: clinical testing. Allele origin: germline.

Blueprint Genetics
Classification: Uncertain significance. Last evaluated: 2024-05-20. Review status: criteria provided, single submitter. Criteria: ACMG Guidelines, 2015. Collection method: clinical testing. Allele origin: germline.

Ambry Genetics
Classification: Uncertain significance for Inborn genetic diseases. Last evaluated: 2022-03-23. Review status: criteria provided, single submitter. Criteria: Ambry Variant Classification Scheme 2023. Collection method: clinical testing. Allele origin: germline.

NM_014363.6(SACS):c.1853C>T (p.Ser618Phe)

Gene: SACS (sacsin molecular chaperone; minus strand). Cytogenetic location: 13q12.12.
Variant type: single nucleotide variant.
Coding change: c.1853C>T on transcript NM_014363.6 (MANE Select); coding-DNA position 1853, C replaced by T.
Protein change: p.Ser618Phe; replaces serine 618 with phenylalanine.
Molecular consequence: missense variant.
Genome position (GRCh38, 1-based): chr13:23,354,759, G>A on the plus strand (C>T on the coding strand, the complement: SACS is on the minus strand). VCF-style: chr13-23354759-G-A. GRCh37 (hg19) VCF-style: chr13-23928898-G-A.
Other names: c.1412C>T, p.Ser471Phe (NM_001278055.2); c.1853C>T (NM_014363.4); short protein forms S471F, S618F.
Identifiers: ClinVar variation 2188757 (VCV002188757.7), dbSNP rs1333181925, ClinGen allele CA387546112.
Genomic context (GRCh38, chr13:23,354,759, plus strand): 5'-CACTTCCGCAGCACCTGCCGCACCCACGCGGGCGTCACCTTCCTCACAGGTGTTGTGCCA[G>A]AGGCAGCTGTGAGCTGAACAGCAGCATCCACATTCCCTGGTACCTTGGCAATCTGCTTCC-3'
Protein context (NP_055178.3, residues 608-628): VDAAVQLTAA[Ser618Phe]GTTPVRKVTP